The following is an entry in ClinVar:

ClinVar aggregate classification (germline): Uncertain significance (1 of 4 stars; one submission).

gnomAD v4.1: 73 of 1,612,424 alleles (0.0045%); highest among the groups gnomAD compares: Non-Finnish European, 0.0061%; no homozygotes.

Submission:

Labcorp Genetics (formerly Invitae), Labcorp
Classification: Uncertain significance. Last evaluated: 2025-08-13. Review status: criteria provided, single submitter. Criteria: Invitae Variant Classification Sherloc (09022015). Collection method: clinical testing. Allele origin: germline.
Comment: This sequence change creates a premature translational stop signal (p.Trp101*) in the GEN1 gene. It is expected to result in an absent or disrupted protein product. However, the current clinical and genetic evidence is not sufficient to establish whether loss-of-function variants in GEN1 cause disease. This variant is present in population databases (rs144005627, gnomAD 0.003%). This variant has not been reported in the literature in individuals affected with GEN1-related conditions. ClinVar contains an entry for this variant (Variation ID: 2176839). In summary, the available evidence is currently insufficient to determine the role of this variant in disease. Therefore, it has been classified as a Variant of Uncertain Significance.

NM_001130009.3(GEN1):c.303G>A (p.Trp101Ter)

Gene: GEN1 (GEN1 structure-specific endonuclease; plus strand). Cytogenetic location: 2p24.2.
Variant type: single nucleotide variant.
Coding change: c.303G>A on transcript NM_001130009.3 (MANE Select); coding-DNA position 303, G replaced by A.
Protein change: p.Trp101Ter; replaces tryptophan 101 with a stop codon.
Molecular consequence: nonsense.
Genome position (GRCh38, 1-based): chr2:17,761,537, G>A. VCF-style: chr2-17761537-G-A. GRCh37 (hg19) VCF-style: chr2-17942804-G-A.
Other names: c.303G>A, p.Trp101Ter (NM_182625.5); short protein forms W101*.
Identifiers: ClinVar variation 2176839 (VCV002176839.4), dbSNP rs144005627, ClinGen allele CA1540375.